The following is an entry in ClinVar:

NM_001378418.1(TCF20):c.2192A>C (p.Gln731Pro)

Gene: TCF20 (transcription factor 20; minus strand). Cytogenetic location: 22q13.2.
Variant type: single nucleotide variant.
Coding change: c.2192A>C on transcript NM_001378418.1 (MANE Select); coding-DNA position 2192, A replaced by C.
Protein change: p.Gln731Pro; replaces glutamine 731 with proline.
Molecular consequence: missense variant.
Genome position (GRCh38, 1-based): chr22:42,213,114, T>G on the plus strand (A>C on the coding strand, the complement: TCF20 is on the minus strand). VCF-style: chr22-42213114-T-G. GRCh37 (hg19) VCF-style: chr22-42609120-T-G.
Other names: c.2192A>C, p.Gln731Pro (NM_005650.4, NM_181492.3); short protein forms Q731P.
Identifiers: ClinVar variation 3702203 (VCV003702203.2).

ClinVar aggregate classification (germline): Uncertain significance (1 of 4 stars; one submission).

gnomAD v4.1: 1 of 1,614,078 alleles (0.000062%); highest among the groups gnomAD compares: African/African-American, 0.0013%; no homozygotes.

Submission:

Labcorp Genetics (formerly Invitae), Labcorp
Classification: Uncertain significance. Last evaluated: 2024-11-13. Review status: criteria provided, single submitter. Criteria: Invitae Variant Classification Sherloc (09022015). Collection method: clinical testing. Allele origin: germline.
Comment: This sequence change replaces glutamine, which is neutral and polar, with proline, which is neutral and non-polar, at codon 731 of the TCF20 protein (p.Gln731Pro). This variant is not present in population databases (gnomAD no frequency). This variant has not been reported in the literature in individuals affected with TCF20-related conditions. An algorithm developed to predict the effect of missense changes on protein structure and function (PolyPhen-2) suggests that this variant is likely to be tolerated. In summary, the available evidence is currently insufficient to determine the role of this variant in disease. Therefore, it has been classified as a Variant of Uncertain Significance.